The following is an entry in ClinVar:

ClinVar aggregate classification (germline): Uncertain significance. Review status: criteria provided, multiple submitters, no conflicts (2 of 4 stars). 4 submissions from 4 submitters: Uncertain significance (3). 1 of the submissions does not count toward it. Last evaluated 2025-10-28.

Conditions:
Cardiovascular phenotype. Identifiers: MedGen CN230736.
TTN-related disorder. Also called: TTN-related condition; TTN-related disease; TTN-related disorders.

Allele frequency attached by ClinVar (database versions not stated): gnomAD exomes below 0.00001 and 0.00001; TOPMed 0.00003; gnomAD 0.00004.

Submissions (4):

PreventionGenetics, part of Exact Sciences
Classification: Uncertain significance for TTN-related condition. Last evaluated: 2025-10-28. Review status: criteria provided, single submitter. Criteria: ACMG Guidelines, 2015. Collection method: clinical testing. Allele origin: germline.
Comment: The TTN c.55915G>A variant is predicted to result in the amino acid substitution p.Val18639Met. To our knowledge, this variant has not been reported in the literature. This variant is reported in 0.013% of alleles in individuals of African descent in gnomAD. At this time, the clinical significance of this variant is uncertain due to the absence of conclusive functional and genetic evidence.

Ambry Genetics
Classification: Uncertain significance for Cardiovascular phenotype. Last evaluated: 2019-12-19. Review status: criteria provided, single submitter. Criteria: Ambry Variant Classification Scheme 2023. Collection method: clinical testing. Allele origin: germline.
Comment: The p.V9574M variant (also known as c.28720G>A), located in coding exon 115 of the TTN gene, results from a G to A substitution at nucleotide position 28720. The valine at codon 9574 is replaced by methionine, an amino acid with highly similar properties. This amino acid position is highly conserved in available vertebrate species. In addition, this alteration is predicted to be tolerated by in silico analysis. Since supporting evidence is limited at this time, the clinical significance of this alteration remains unclear.

Laboratory for Molecular Medicine, Mass General Brigham Personalized Medicine
Classification: Uncertain significance. Last evaluated: 2014-02-17. Review status: criteria provided, single submitter. Criteria: LMM Criteria. Collection method: clinical testing. Allele origin: germline. Observed: 1 variant allele.
Comment: The Val16071Met variant in TTN has not been previously reported in individuals w ith cardiomyopathy or in large population studies. Computational analyses (bioch emical amino acid properties, conservation, AlignGVGD, PolyPhen2, and SIFT) sugg est that this variant may impact the protein, though this information is not pre dictive enough to determine pathogenicity. Additional information is needed to f ully assess the clinical significance of the Pro608Leu variant.

GeneDx
No classification provided. Last evaluated: 2014-03-26. Review status: no classification provided. Criteria: GeneDx Variant Classification (06012015). Collection method: clinical testing. Allele origin: germline. Affected: yes. Not counted in ClinVar's aggregate classification.
Comment: Missense variants in the TTN gene are considered 'unclassified' if they are not previously reported in the literature and do not have >1% frequency in the population to be considered a polymorphism. Research indicates that truncating mutations in the TTN gene are expected to account for approximately 25% of familial and 18% of sporadic idiopathic DCM; however, truncating variants in the TTN gene have been reported in approximately 3% of reported control alleles. There has been little investigation into non-truncating variants. (Herman D et al. Truncations of titin causing dilated cardiomyopathy. N Eng J Med 366:619-628, 2012) The variant is found in DCM,CARDIOMYOPATHY panel(s).

NM_001267550.2(TTN):c.55915G>A (p.Val18639Met)

Genes: TTN (titin; minus strand), TTN-AS1 (TTN antisense RNA 1; plus strand). Cytogenetic location: 2q31.2.
Variant type: single nucleotide variant.
Coding change: c.55915G>A on transcript NM_001267550.2 (MANE Select); coding-DNA position 55915, G replaced by A.
Protein change: p.Val18639Met; replaces valine 18639 with methionine.
Molecular consequence: missense variant.
Genome position (GRCh38, 1-based): chr2:178,600,989, C>T on the plus strand (G>A on the coding strand, the complement: TTN is on the minus strand). VCF-style: chr2-178600989-C-T. GRCh37 (hg19) VCF-style: chr2-179465716-C-T.
Other names: p.V16998M:GTG>ATG; c.28720G>A, p.Val9574Met (NM_003319.4); c.29095G>A, p.Val9699Met (NM_133432.3); c.29296G>A, p.Val9766Met (NM_133437.4); c.50992G>A, p.Val16998Met (NM_001256850.1); c.48211G>A, p.Val16071Met (NM_133378.4); short protein forms V16071M, V18639M, V16998M, V9574M, V9766M, V9699M.
Identifiers: ClinVar variation 165962 (VCV000165962.8), dbSNP rs727503596, ClinGen allele CA178695.
Genomic context (GRCh38, chr2:178,600,989, plus strand): 5'-CTCGGAATTCATATTCCCCACCCTCTACTAGGTCTTCAACAGTAAATTGCAGTTCTTCCA[C>T]ATCACGCTTATTGCACTGCCTCCAGGCTTCTTTCTTTGTCCCAGTAGGGTCCCATGCAAG-3'
Protein context (NP_001254479.2, residues 18629-18649): EAWRQCNKRD[Val18639Met]EELQFTVEDL